The following is an entry in ClinVar:

NM_004304.5(ALK):c.3107T>A (p.Ile1036Asn)

Gene: ALK (ALK receptor tyrosine kinase; minus strand). Cytogenetic location: 2p23.2.
Variant type: single nucleotide variant.
Coding change: c.3107T>A on transcript NM_004304.5 (MANE Select); coding-DNA position 3107, T replaced by A.
Protein change: p.Ile1036Asn; replaces isoleucine 1036 with asparagine.
Molecular consequence: missense variant.
Genome position (GRCh38, 1-based): chr2:29,225,526, A>T on the plus strand (T>A on the coding strand, the complement: ALK is on the minus strand). VCF-style: chr2-29225526-A-T. GRCh37 (hg19) VCF-style: chr2-29448392-A-T.
Other names: short protein forms I1036N.
Identifiers: ClinVar variation 1414488 (VCV001414488.8), dbSNP rs1663944377, ClinGen allele CA346466970.

ClinVar aggregate classification (germline): Uncertain significance (1 of 4 stars; one submission).

Conditions:
Neuroblastoma, susceptibility to, 3. Also called: ALK-Related Neuroblastic Tumor Susceptibility. Identifiers: Orphanet 635, MedGen C2751681, MONDO:0013083, OMIM 613014.

Submission:

Labcorp Genetics (formerly Invitae), Labcorp
Classification: Uncertain significance for Neuroblastoma, susceptibility to, 3. Last evaluated: 2021-03-08. Review status: criteria provided, single submitter. Criteria: Invitae Variant Classification Sherloc (09022015). Collection method: clinical testing. Allele origin: germline.
Comment: This sequence change replaces isoleucine with asparagine at codon 1036 of the ALK protein (p.Ile1036Asn). The isoleucine residue is moderately conserved and there is a large physicochemical difference between isoleucine and asparagine. This variant is not present in population databases (ExAC no frequency). This variant has not been reported in the literature in individuals with ALK-related conditions. Algorithms developed to predict the effect of missense changes on protein structure and function are either unavailable or do not agree on the potential impact of this missense change (SIFT: "Deleterious"; PolyPhen-2: "Benign"; Align-GVGD: "Class C45"). In summary, the available evidence is currently insufficient to determine the role of this variant in disease. Therefore, it has been classified as a Variant of Uncertain Significance.